The following is an entry in ClinVar:

ClinVar aggregate classification (germline): Uncertain significance (1 of 4 stars; one submission).

Conditions:
Oligodontia-cancer predisposition syndrome. Also called: TOOTH AGENESIS-COLORECTAL CANCER SYNDROME. Identifiers: Orphanet 300576, MedGen C1837750, MONDO:0012075, OMIM 608615. Disease mechanism: loss of function.

Allele frequency attached by ClinVar (database versions not stated): gnomAD 0.00001.
gnomAD v4.1: 1 of 1,562,328 alleles (0.000064%); highest among the groups gnomAD compares: African/African-American, 0.0014%; no homozygotes.

Submission:

Labcorp Genetics (formerly Invitae), Labcorp
Classification: Uncertain significance for Oligodontia-cancer predisposition syndrome. Last evaluated: 2016-08-02. Review status: criteria provided, single submitter. Criteria: Invitae Variant Classification Sherloc (09022015). Collection method: clinical testing. Allele origin: germline.
Comment: This sequence change replaces glycine with alanine at codon 456 of the AXIN2 protein (p.Gly456Ala). The glycine residue is highly conserved and there is a small physicochemical difference between glycine and alanine. This variant is not present in population databases (ExAC no frequency) and has not been reported in the literature in individuals with a AXIN2-related disease. Algorithms developed to predict the effect of missense changes on protein structure and function (SIFT, PolyPhen-2, Align-GVGD) all suggest that this variant is likely to be tolerated, but these predictions have not been confirmed by published functional studies. In summary, this variant is a novel missense change that is not predicted to affect protein function. There is no indication that it causes disease, but the available evidence is currently insufficient to prove that conclusively. Therefore, it has been classified as a Variant of Uncertain Significance.

NM_004655.4(AXIN2):c.1367G>C (p.Gly456Ala)

Gene: AXIN2 (axin 2; minus strand). Cytogenetic location: 17q24.1.
Variant type: single nucleotide variant.
Coding change: c.1367G>C on transcript NM_004655.4 (MANE Select); coding-DNA position 1367, G replaced by C.
Protein change: p.Gly456Ala; replaces glycine 456 with alanine.
Molecular consequence: missense variant.
Genome position (GRCh38, 1-based): chr17:65,537,669, C>G on the plus strand (G>C on the coding strand, the complement: AXIN2 is on the minus strand). VCF-style: chr17-65537669-C-G. GRCh37 (hg19) VCF-style: chr17-63533787-C-G.
Other names: c.1367G>C (LRG_296t1); c.1367G>C, p.Gly456Ala (NM_001363813.1); short protein forms G456A.
Identifiers: ClinVar variation 408809 (VCV000408809.9), dbSNP rs1060502144, ClinGen allele CA16615924.